The following is an entry in ClinVar:

NM_000038.6(APC):c.7292G>A (p.Arg2431Lys)

Gene: APC (APC regulator of Wnt signaling pathway; plus strand). Cytogenetic location: 5q22.2.
Variant type: single nucleotide variant.
Coding change: c.7292G>A on transcript NM_000038.6 (MANE Select); coding-DNA position 7292, G replaced by A.
Protein change: p.Arg2431Lys; replaces arginine 2431 with lysine.
Molecular consequence: missense variant.
Genome position (GRCh38, 1-based): chr5:112,842,886, G>A. VCF-style: chr5-112842886-G-A. GRCh37 (hg19) VCF-style: chr5-112178583-G-A.
Other names: c.7292G>A, p.Arg2431Lys (NM_001127510.3, NM_001354895.2); c.7238G>A, p.Arg2413Lys (NM_001127511.3); c.7346G>A, p.Arg2449Lys (NM_001354896.2); c.7322G>A, p.Arg2441Lys (NM_001354897.2); c.7217G>A, p.Arg2406Lys (NM_001354898.2); c.7208G>A, p.Arg2403Lys (NM_001354899.2); c.7169G>A, p.Arg2390Lys (NM_001354900.2); c.7115G>A, p.Arg2372Lys (NM_001354901.2); and 5 more; short protein forms R2413K, R2431K, R2406K, R2271K, R2330K, R2305K, R2340K, R2403K.
Identifiers: ClinVar variation 246445 (VCV000246445.26), dbSNP rs879254262, ClinGen allele CA10584265.

ClinVar aggregate classification (germline): Conflicting classifications of pathogenicity. Review status: criteria provided, conflicting classifications (1 of 4 stars). 7 submissions from 7 submitters: Uncertain significance (6); Likely benign (1). Last evaluated 2026-06-26.

Conditions:
Classic or attenuated familial adenomatous polyposis. Identifiers: MedGen CN372698, MONDO:0021057.
APC-related disorder. Also called: APC-related condition.
Hereditary cancer-predisposing syndrome. Also called: Neoplastic Syndromes, Hereditary; Hereditary neoplastic syndrome; Hereditary Cancer Syndrome; Tumor predisposition. Identifiers: Orphanet 140162, MedGen C0027672, MeSH D009386, MONDO:0015356.
Familial adenomatous polyposis 1 (FAP1). Also called: POLYPOSIS, ADENOMATOUS INTESTINAL; FAMILIAL ADENOMATOUS POLYPOSIS 1, ATTENUATED. Identifiers: MedGen C2713442, MONDO:0021056, OMIM 175100. Disease mechanism: loss of function.

Allele frequency attached by ClinVar (database versions not stated): gnomAD exomes 0.00001.
gnomAD v4.1: 29 of 1,614,018 alleles (0.0018%); highest among the groups gnomAD compares: Non-Finnish European, 0.0022%; no homozygotes.

Submissions (7):

PreventionGenetics, part of Exact Sciences
Classification: Uncertain significance for APC-related condition. Last evaluated: 2026-06-26. Review status: criteria provided, single submitter. Criteria: ACMG Guidelines, 2015. Collection method: clinical testing. Allele origin: germline.
Comment: The APC c.7292G>A variant is predicted to result in the amino acid substitution p.Arg2431Lys. To our knowledge, this variant has not been reported in the literature. This variant is reported in 0.0018% of alleles in individuals of European (Non-Finnish) descent in gnomAD. This variant is classified as uncertain in ClinVar (Variation ID: 246445). At this time, the clinical significance of this variant is uncertain due to the absence of conclusive functional and genetic evidence.

Ambry Genetics
Classification: Likely benign for Hereditary cancer-predisposing syndrome. Last evaluated: 2026-03-19. Review status: criteria provided, single submitter. Criteria: Ambry Variant Classification Scheme 2023. Collection method: clinical testing. Allele origin: germline.

Labcorp Genetics (formerly Invitae), Labcorp
Classification: Uncertain significance for Familial adenomatous polyposis 1. Last evaluated: 2025-11-18. Review status: criteria provided, single submitter. Criteria: Invitae Variant Classification Sherloc (09022015). Collection method: clinical testing. Allele origin: germline.
Comment: This sequence change replaces arginine, which is basic and polar, with lysine, which is basic and polar, at codon 2431 of the APC protein (p.Arg2431Lys). This variant is present in population databases (no rsID available, gnomAD 0.002%). This variant has not been reported in the literature in individuals affected with APC-related conditions. ClinVar contains an entry for this variant (Variation ID: 246445). Invitae Evidence Modeling of protein sequence and biophysical properties (such as structural, functional, and spatial information, amino acid conservation, physicochemical variation, residue mobility, and thermodynamic stability) indicates that this missense variant is not expected to disrupt APC protein function with a negative predictive value of 95%. In summary, the available evidence is currently insufficient to determine the role of this variant in disease. Therefore, it has been classified as a Variant of Uncertain Significance.

Color Diagnostics, LLC DBA Color Health
Classification: Uncertain significance for Hereditary cancer-predisposing syndrome. Last evaluated: 2024-09-09. Review status: criteria provided, single submitter. Criteria: ACMG Guidelines, 2015. Collection method: clinical testing. Allele origin: germline.
Comment: This missense variant replaces arginine with lysine at codon 2431 of the APC protein. Computational prediction suggests that this variant may not impact protein structure and function (internally defined REVEL score threshold <= 0.5, PMID: 27666373). To our knowledge, functional studies have not been reported for this variant. This variant has not been reported in individuals affected with APC-related disorders in the literature. This variant has been identified in 2/250514 chromosomes in the general population by the Genome Aggregation Database (gnomAD). The available evidence is insufficient to determine the role of this variant in disease conclusively. Therefore, this variant is classified as a Variant of Uncertain Significance.

Baylor Genetics
Classification: Uncertain significance for Familial adenomatous polyposis 1. Last evaluated: 2024-01-26. Review status: criteria provided, single submitter. Criteria: ACMG Guidelines, 2015. Collection method: clinical testing. Allele origin: unknown.

GeneDx
Classification: Uncertain significance. Last evaluated: 2023-10-24. Review status: criteria provided, single submitter. Criteria: GeneDx Variant Classification Process June 2021. Collection method: clinical testing. Allele origin: germline. Affected: yes.
Comment: Not observed at significant frequency in large population cohorts (gnomAD); In silico analysis supports that this missense variant does not alter protein structure/function; Has not been previously published as a pathogenic or benign germline variant to our knowledge; This variant is associated with the following publications: (PMID: 22810696)

All of Us Research Program, National Institutes of Health
Classification: Uncertain significance for Classic or attenuated familial adenomatous polyposis. Last evaluated: 2023-05-04. Review status: criteria provided, single submitter. Criteria: ACMG Guidelines, 2015. Collection method: clinical testing. Allele origin: germline. Inheritance: Autosomal dominant inheritance. Observed: 1 variant allele, 1 heterozygote.
Comment: This missense variant replaces arginine with lysine at codon 2431 of the APC protein. Computational prediction suggests that this variant may not impact protein structure and function (internally defined REVEL score threshold <= 0.5, PMID: 27666373). To our knowledge, functional studies have not been reported for this variant. This variant has not been reported in individuals affected with APC-related disorders in the literature. This variant has been identified in 2/250514 chromosomes in the general population by the Genome Aggregation Database (gnomAD). The available evidence is insufficient to determine the role of this variant in disease conclusively. Therefore, this variant is classified as a Variant of Uncertain Significance.

This study involves interpretation of variants in research participants for the purpose of population health screening. Participant phenotype was not available at the time of variant classification. Additional details can be found in publication PMID: 35346344, PMCID: PMC8962531